The following is an entry in ClinVar:

ClinVar aggregate classification (germline): Uncertain significance (1 of 4 stars; one submission).

Conditions:
OPHN1-related disorder.

gnomAD v4.1: 2 of 1,206,528 alleles (0.00017%); highest among the groups gnomAD compares: Middle Eastern, 0.023%; no homozygotes.

Submission:

PreventionGenetics, part of Exact Sciences
Classification: Uncertain significance for OPHN1-related condition. Last evaluated: 2025-07-08. Review status: criteria provided, single submitter. Criteria: ACMG Guidelines, 2015. Collection method: clinical testing. Allele origin: germline.
Comment: The OPHN1 c.1465G>A variant is predicted to result in the amino acid substitution p.Val489Ile. To our knowledge, this variant has not been reported in the literature or in a large population database (gnomAD), indicating this variant is rare. At this time, the clinical significance of this variant is uncertain due to the absence of conclusive functional and genetic evidence.

NM_002547.3(OPHN1):c.1465G>A (p.Val489Ile)

Gene: OPHN1 (oligophrenin 1; minus strand). Cytogenetic location: Xq12.
Variant type: single nucleotide variant.
Coding change: c.1465G>A on transcript NM_002547.3 (MANE Select); coding-DNA position 1465, G replaced by A.
Protein change: p.Val489Ile; replaces valine 489 with isoleucine.
Molecular consequence: missense variant.
Genome position (GRCh38, 1-based): chrX:68,111,915, C>T on the plus strand (G>A on the coding strand, the complement: OPHN1 is on the minus strand). VCF-style: chrX-68111915-C-T. GRCh37 (hg19) VCF-style: chrX-67331757-C-T.
Other names: c.1465G>A, p.Val489Ile (NM_001437258.1); short protein forms V489I.
Identifiers: ClinVar variation 4997074 (VCV004997074.1).